The following is an entry in ClinVar:

NM_018319.4(TDP1):c.*1618T>C

Gene: TDP1 (tyrosyl-DNA phosphodiesterase 1; plus strand). Cytogenetic location: 14q32.11.
Variant type: single nucleotide variant.
Coding change: c.*1618T>C on transcript NM_018319.4 (MANE Select); 1618 bases downstream of the stop codon, T replaced by C.
Molecular consequence: 3 prime UTR variant.
Genome position (GRCh38, 1-based): chr14:90,044,761, T>C. VCF-style: chr14-90044761-T-C. GRCh37 (hg19) VCF-style: chr14-90511105-T-C.
Other names: c.*1618T>C (NM_001008744.2); c.*1599T>C (NM_001330205.2).
Identifiers: ClinVar variation 885231 (VCV000885231.4), dbSNP rs35308003, ClinGen allele CA264594823.

ClinVar aggregate classification (germline): Likely benign (1 of 4 stars; one submission).

Conditions:
Spinocerebellar ataxia, autosomal recessive, with axonal neuropathy 1 (SCAN1). Identifiers: Orphanet 94124, MedGen C4759870, MONDO:0011801, OMIM 607250.

Allele frequency attached by ClinVar (database versions not stated): gnomAD 0.00156 and 0.00169; TOPMed 0.00173; 1000 Genomes Project 0.00220; 1000 Genomes Project 30x 0.00234.

Submission:

Illumina Laboratory Services, Illumina
Classification: Likely benign for Spinocerebellar ataxia, autosomal recessive, with axonal neuropathy 1. Last evaluated: 2018-01-13. Review status: criteria provided, single submitter. Criteria: ICSL Variant Classification Criteria 13 December 2019. Collection method: clinical testing. Allele origin: germline.
Comment: This variant was observed in the ICSL laboratory as part of a predisposition screen in an ostensibly healthy population. It had not been previously curated by ICSL or reported in the Human Gene Mutation Database (HGMD: prior to June 1st, 2018), and was therefore a candidate for classification through an automated scoring system. Utilizing variant allele frequency, disease prevalence and penetrance estimates, and inheritance mode, an automated score was calculated to assess if this variant is too frequent to cause the disease. Based on the score and internal cut-off values, a variant classified as likely benign is not then subjected to further curation. The score for this variant resulted in a classification of likely benign for this disease.